The following is an entry in ClinVar:

ClinVar aggregate classification (germline): Benign/Likely benign. Review status: criteria provided, multiple submitters, no conflicts (2 of 4 stars). 2 submissions from 2 submitters: Benign (1); Likely benign (1). Last evaluated 2026-08-18.

Conditions:
DICER1-related tumor predisposition. Also called: DICER1-related pleuropulmonary blastoma cancer predisposition syndrome; DICER1 syndrome. Identifiers: Orphanet 284343, MedGen C3839822, MONDO:0100216.

Submissions (2):

Myriad Genetics, Inc.
Classification: Benign for DICER1-related tumor predisposition. Last evaluated: 2026-08-18. Review status: criteria provided, single submitter. Criteria: Myriad Autosomal Dominant, Autosomal Recessive and X-Linked Classification Criteria (2023). Collection method: clinical testing. Allele origin: unknown.
Comment: This variant is considered benign. This variant is a silent/synonymous amino acid change and it is not expected to impact splicing.

Labcorp Genetics (formerly Invitae), Labcorp
Classification: Likely benign for DICER1-related tumor predisposition. Last evaluated: 2021-11-02. Review status: criteria provided, single submitter. Criteria: Invitae Variant Classification Sherloc (09022015). Collection method: clinical testing. Allele origin: germline.

NM_177438.3(DICER1):c.4335T>C (p.Tyr1445=)

Gene: DICER1 (dicer 1, ribonuclease III; minus strand). Cytogenetic location: 14q32.13.
Variant type: single nucleotide variant.
Coding change: c.4335T>C on transcript NM_177438.3 (MANE Select); coding-DNA position 4335, T replaced by C.
Protein change: p.Tyr1445=; no amino-acid change (tyrosine 1445 retained).
Molecular consequence: synonymous variant.
Genome position (GRCh38, 1-based): chr14:95,096,585, A>G on the plus strand (T>C on the coding strand, the complement: DICER1 is on the minus strand). VCF-style: chr14-95096585-A-G. GRCh37 (hg19) VCF-style: chr14-95562922-A-G.
Other names: c.4335T>C, p.Tyr1445= (NM_001195573.1, NM_001271282.3, NM_001291628.2 and 1 more transcripts).
Identifiers: ClinVar variation 1555886 (VCV001555886.10), dbSNP rs2139852602, ClinGen allele CA487844170.